The following is an entry in ClinVar:

NM_000313.4(PROS1):c.1324-9A>G

Gene: PROS1 (protein S; minus strand). Cytogenetic location: 3q11.1.
Variant type: single nucleotide variant.
Coding change: c.1324-9A>G on transcript NM_000313.4 (MANE Select); 9 bases into the intron before coding-DNA position 1324, A replaced by G.
Molecular consequence: intron variant.
Genome position (GRCh38, 1-based): chr3:93,884,905, T>C on the plus strand (A>G on the coding strand, the complement: PROS1 is on the minus strand). VCF-style: chr3-93884905-T-C. GRCh37 (hg19) VCF-style: chr3-93603749-T-C.
Other names: IVS11AS, A-G, -9; c.1420-9A>G (NM_001314077.2).
Identifiers: ClinVar variation 13321 (VCV000013321.2), dbSNP rs2107137679, ClinGen allele CA2573052260.

ClinVar aggregate classification (germline): Pathogenic. Review status: criteria provided, single submitter (1 of 4 stars). 2 submissions from 2 submitters: Pathogenic (1). 1 of the submissions does not count toward it. Last evaluated 2026-09-16.

Conditions:
Thrombophilia with a likely monogenic cause.
Thrombophilia due to protein S deficiency, autosomal dominant (THPH5). Identifiers: Orphanet 26349, Orphanet 743, MedGen C3278211, MONDO:0012868, OMIM 612336. Disease mechanism: loss of function.

Allele frequency attached by ClinVar (database versions not stated): gnomAD exomes below 0.00001.
gnomAD v4.1: 6 of 1,610,520 alleles (0.00037%); highest among the groups gnomAD compares: Non-Finnish European, 0.00051%; no homozygotes.

Submissions (2):

North West Genomic Laboratory Hub, Manchester University NHS Foundation Trust
Classification: Pathogenic for Thrombophilia with a likely monogenic cause. Last evaluated: 2026-09-16. Review status: criteria provided, single submitter. Criteria: ACGS Best Practice Guidelines for Variant Classification in Rare Disease 2024. Collection method: clinical testing. Allele origin: germline. Affected: yes.
Comment: PVS1_VStr PP1_Str

OMIM
Classification: Pathogenic for THROMBOPHILIA DUE TO PROTEIN S DEFICIENCY, AUTOSOMAL DOMINANT. Last evaluated: 1998-06-01. Review status: no assertion criteria provided. Collection method: literature only. Allele origin: germline. Not counted in ClinVar's aggregate classification.

Literature cited by the submitters: PubMed 9657428 (cited by OMIM).